The following is an entry in ClinVar:

ClinVar aggregate classification (germline): Pathogenic (1 of 4 stars; one submission).

Conditions:
Gorlin syndrome. Also called: Nevoid Basal Cell Carcinoma Syndrome; Basal cell nevus syndrome. Identifiers: Orphanet 377, MedGen C0004779, MONDO:0007187.

Submission:

Labcorp Genetics (formerly Invitae), Labcorp
Classification: Pathogenic for Gorlin syndrome. Last evaluated: 2020-09-24. Review status: criteria provided, single submitter. Criteria: Invitae Variant Classification Sherloc (09022015). Collection method: clinical testing. Allele origin: germline.
Comment: Loss-of-function variants in PTCH1 are known to be pathogenic (PMID: 16301862, 16419085). For these reasons, this variant has been classified as Pathogenic. This variant has not been reported in the literature in individuals with PTCH1-related conditions. This variant is not present in population databases (ExAC no frequency). This sequence change creates a premature translational stop signal (p.Trp197*) in the PTCH1 gene. It is expected to result in an absent or disrupted protein product.

Literature cited by the submitters: PubMed 16301862; PubMed 16419085.

NM_000264.5(PTCH1):c.591G>A (p.Trp197Ter)

Gene: PTCH1 (patched 1; minus strand). Cytogenetic location: 9q22.32.
Variant type: single nucleotide variant.
Coding change: c.591G>A on transcript NM_000264.5 (MANE Select); coding-DNA position 591, G replaced by A.
Protein change: p.Trp197Ter; replaces tryptophan 197 with a stop codon.
Molecular consequence: nonsense. On other transcripts: non-coding transcript variant (1).
Genome position (GRCh38, 1-based): chr9:95,482,197, C>T on the plus strand (G>A on the coding strand, the complement: PTCH1 is on the minus strand). VCF-style: chr9-95482197-C-T. GRCh37 (hg19) VCF-style: chr9-98244479-C-T.
Other names: c.393G>A, p.Trp131Ter (NM_001083602.3, NM_001354919.2); c.588G>A, p.Trp196Ter (NM_001083603.3); c.138G>A, p.Trp46Ter (NM_001083604.3, NM_001083605.3, NM_001083606.3 and 1 more transcripts); c.591G>A, p.Trp197Ter (NM_001354918.2); short protein forms W131*, W196*, W197*, W46*.
Identifiers: ClinVar variation 1072215 (VCV001072215.7), dbSNP rs1841597665, ClinGen allele CA374115155.